The following is an entry in ClinVar:

ClinVar aggregate classification (germline): Likely benign. Review status: criteria provided, multiple submitters, no conflicts (2 of 4 stars). 2 submissions from 2 submitters: Likely benign (2). Last evaluated 2024-07-10.

Allele frequency attached by ClinVar (database versions not stated): gnomAD 0.00001; gnomAD exomes 0.00001; TOPMed 0.00001.
gnomAD v4.1: 4 of 1,577,612 alleles (0.00025%); highest among the groups gnomAD compares: Non-Finnish European, 0.00034%; no homozygotes.

Submissions (2):

Labcorp Genetics (formerly Invitae), Labcorp
Classification: Likely benign. Last evaluated: 2024-07-10. Review status: criteria provided, single submitter. Criteria: Invitae Variant Classification Sherloc (09022015). Collection method: clinical testing. Allele origin: germline.

GeneDx
Classification: Likely benign. Last evaluated: 2017-06-21. Review status: criteria provided, single submitter. Criteria: GeneDx Variant Classification (06012015). Collection method: clinical testing. Allele origin: germline. Affected: yes.
Comment: This variant is considered likely benign or benign based on one or more of the following criteria: it is a conservative change, it occurs at a poorly conserved position in the protein, it is predicted to be benign by multiple in silico algorithms, and/or has population frequency not consistent with disease.

NM_000142.5(FGFR3):c.615+20T>C

Gene: FGFR3 (fibroblast growth factor receptor 3; plus strand). Cytogenetic location: 4p16.3.
Variant type: single nucleotide variant.
Coding change: c.615+20T>C on transcript NM_000142.5 (MANE Select); 20 bases into the intron after coding-DNA position 615, T replaced by C.
Molecular consequence: intron variant.
Genome position (GRCh38, 1-based): chr4:1,801,556, T>C. VCF-style: chr4-1801556-T-C. GRCh37 (hg19) VCF-style: chr4-1803283-T-C.
Other names: c.615+20T>C (NM_001163213.2, NM_001354809.2, NM_001354810.2 and 1 more transcripts).
Identifiers: ClinVar variation 510479 (VCV000510479.3), dbSNP rs1374050784, ClinGen allele CA658796414.